The following is an entry in ClinVar:

ClinVar aggregate classification (germline): Pathogenic. Review status: reviewed by expert panel (3 of 4 stars). 3 submissions from 3 submitters: Pathogenic (1). 2 of the submissions do not count toward it. Last evaluated 2020-09-06.

Conditions:
Myocardial infarction, susceptibility to. Identifiers: MedGen C1832662, MONDO:0012039, OMIM 608446.
Glanzmann thrombasthenia 2. Also called: BLEEDING DISORDER, PLATELET-TYPE, 23. Identifiers: MedGen C5543273, MONDO:0031009, OMIM 619267.
Bleeding disorder, platelet-type, 24. Also called: GLANZMANN THROMBASTHENIA-LIKE WITH MACROTHROMBOCYTOPENIA 2. Identifiers: MedGen C5543280, MONDO:0030996, OMIM 619271.
Glanzmann thrombasthenia. Also called: BLEEDING DISORDER, PLATELET-TYPE, 2; THROMBASTHENIA OF GLANZMANN AND NAEGELI; PLATELET GLYCOPROTEIN IIb-IIIa DEFICIENCY; Glanzmann's thrombasthenia; Thrombasthenia. Identifiers: Orphanet 849, MedGen C0040015, MONDO:0100326.

Allele frequency attached by ClinVar (database versions not stated): gnomAD exomes below 0.00001; gnomAD 0.00001; TOPMed 0.00001.
gnomAD v4.1: 3 of 1,418,788 alleles (0.00021%); highest among the groups gnomAD compares: African/African-American, 0.0044%; no homozygotes.

Submissions (3):

ClinGen Platelet Disorders Variant Curation Expert Panel, ClinGen
Classification: Pathogenic for Glanzmann thrombasthenia. Last evaluated: 2020-09-06. Review status: reviewed by expert panel. Criteria: ClinGen Platelet ACMG Specifications v2. Collection method: curation. Allele origin: germline. Inheritance: Autosomal recessive inheritance.
Comment: The canonical splice site variant in intron 1, NM_000212.2:c.79+1G>A is expected to cause aberrant splicing and NMD of the resulting transcript. The variant is reported at a frequency of 0.00002379 (PM2 <0.0001) in the African population in gnomAD v3. The variant is reported in one compound heterozygous individual with another splice site variant, c.940-2A>G (PMID: 25728920). In summary, based on the evidence available at this time, the variant is classified as pathogenic. GT-specific criteria applied: PVS1, PM2_supporting, PP4_strong.

Labcorp Genetics (formerly Invitae), Labcorp
Classification: Pathogenic. Last evaluated: 2025-03-19. Review status: criteria provided, single submitter. Criteria: Invitae Variant Classification Sherloc (09022015). Collection method: clinical testing. Allele origin: germline. Not counted in ClinVar's aggregate classification.
Comment: This sequence change affects a donor splice site in intron 1 of the ITGB3 gene. It is expected to disrupt RNA splicing. Variants that disrupt the donor or acceptor splice site typically lead to a loss of protein function (PMID: 16199547), and loss-of-function variants in ITGB3 are known to be pathogenic (PMID: 21917754). This variant is not present in population databases (gnomAD no frequency). Disruption of this splice site has been observed in individual(s) with Glanzmann thrombasthenia (PMID: 25728920; internal data). In at least one individual the data is consistent with being in trans (on the opposite chromosome) from a pathogenic variant. ClinVar contains an entry for this variant (Variation ID: 953050). Algorithms developed to predict the effect of sequence changes on RNA splicing suggest that this variant may disrupt the consensus splice site. For these reasons, this variant has been classified as Pathogenic.

Fulgent Genetics
Classification: Likely pathogenic for Myocardial infarction, susceptibility to; Glanzmann thrombasthenia 2; Bleeding disorder, platelet-type, 24. Last evaluated: 2024-03-11. Review status: criteria provided, single submitter. Criteria: ACMG Guidelines, 2015. Collection method: clinical testing. Allele origin: germline. Not counted in ClinVar's aggregate classification.

Literature cited by the submitters: PubMed 16199547 (cited by Labcorp Genetics (formerly Invitae), Labcorp); PubMed 21917754 (cited by Labcorp Genetics (formerly Invitae), Labcorp); PubMed 25728920 (cited by Labcorp Genetics (formerly Invitae), Labcorp).

NM_000212.3(ITGB3):c.79+1G>A

Gene: ITGB3 (integrin subunit beta 3; plus strand). Cytogenetic location: 17q21.32.
Variant type: single nucleotide variant.
Coding change: c.79+1G>A on transcript NM_000212.3 (MANE Select); the canonical splice donor site of the intron after coding-DNA position 79, G replaced by A.
Molecular consequence: splice donor variant.
Genome position (GRCh38, 1-based): chr17:47,253,941, G>A. VCF-style: chr17-47253941-G-A. GRCh37 (hg19) VCF-style: chr17-45331307-G-A.
Identifiers: ClinVar variation 953050 (VCV000953050.6), dbSNP rs2064977538, ClinGen allele CA400028478.
Genomic context (GRCh38, chr17:47,253,941, plus strand): 5'-CCCGGCCGCTCTGGGCGACTGTGCTGGCGCTGGGGGCGCTGGCGGGCGTTGGCGTAGGAG[G>A]TGAGTGAGGCTCCGGCTCGGCAGCGTCGCAGCTGCCCCAGGATCTGCGCCCCGGTCAAGT-3'